The following is an entry in ClinVar:

NM_001379451.1(BCORL1):c.2112G>T (p.Lys704Asn)

Gene: BCORL1 (BCL6 corepressor like 1; plus strand). Cytogenetic location: Xq26.1.
Variant type: single nucleotide variant.
Coding change: c.2112G>T on transcript NM_001379451.1 (MANE Select); coding-DNA position 2112, G replaced by T.
Protein change: p.Lys704Asn; replaces lysine 704 with asparagine.
Molecular consequence: missense variant.
Genome position (GRCh38, 1-based): chrX:130,014,884, G>T. VCF-style: chrX-130014884-G-T. GRCh37 (hg19) VCF-style: chrX-129148860-G-T.
Other names: c.2112G>T, p.Lys704Asn (NM_001184772.3, NM_001379450.1, NM_021946.5); short protein forms K704N.
Identifiers: ClinVar variation 389843 (VCV000389843.3), dbSNP rs1057523551, ClinGen allele CA16609123.

ClinVar aggregate classification (germline): Uncertain significance. Review status: criteria provided, multiple submitters, no conflicts (2 of 4 stars). 2 submissions from 2 submitters: Uncertain significance (2). Last evaluated 2025-09-25.

Allele frequency attached by ClinVar (database versions not stated): gnomAD exomes 0.00001 and 0.00002; TOPMed below 0.00001.
gnomAD v4.1: 9 of 1,211,657 alleles (0.00074%); highest among the groups gnomAD compares: Non-Finnish European, 0.00011%; no homozygotes.

Submissions (2):

Ambry Genetics
Classification: Uncertain significance. Last evaluated: 2025-09-25. Review status: criteria provided, single submitter. Criteria: Ambry Variant Classification Scheme 2023. Collection method: clinical testing. Allele origin: germline.

GeneDx
Classification: Uncertain significance. Last evaluated: 2016-10-20. Review status: criteria provided, single submitter. Criteria: GeneDx Variant Classification (06012015). Collection method: clinical testing. Allele origin: germline. Affected: yes.
Comment: The K704N variant in the BCORL1 gene has not been reported previously as a pathogenic variant, nor as a benign variant, to our knowledge. The K704N variant was not observed in approximately 6,500 individuals of European and African American ancestry in the NHLBI Exome Sequencing Project, indicating it is not a common benign variant in these populations. The K704N variant is a semi-conservative amino acid substitution, which may impact secondary protein structure as these residues differ in some properties. This substitution occurs at a position that is conserved across species. In silico analysis is inconsistent in its predictions as to whether or not the variant is damaging to the protein structure/function. We interpret K704N as a variant of uncertain significance.